The following is an entry in ClinVar:

ClinVar aggregate classification (germline): Uncertain significance (1 of 4 stars; one submission).

Submission:

GeneDx
Classification: Uncertain significance. Last evaluated: 2025-03-17. Review status: criteria provided, single submitter. Criteria: GeneDx Variant Classification Process June 2021. Collection method: clinical testing. Allele origin: germline. Affected: yes.
Comment: Not observed at significant frequency in large population cohorts (gnomAD); In silico analysis indicates that this missense variant does not alter protein structure/function; Has not been previously published as pathogenic or benign to our knowledge

NM_020794.2:c.1553C>T

Gene: LRRC7 (leucine rich repeat containing 7; plus strand).
Variant type: single nucleotide variant.
Identifiers: ClinVar variation 4086596 (VCV004086596.1).